The following is an entry in ClinVar:

ClinVar aggregate classification (germline): Uncertain significance. Review status: criteria provided, multiple submitters, no conflicts (2 of 4 stars). 2 submissions from 2 submitters: Uncertain significance (2). Last evaluated 2025-10-21.

Conditions:
Inborn genetic diseases. Identifiers: MedGen C0950123, MeSH D030342.
Diffuse cerebral and cerebellar atrophy - intractable seizures - progressive microcephaly syndrome. Also called: Microcephaly, progressive, with seizures and cerebral and cerebellar atrophy. Identifiers: Orphanet 404437, MedGen C4014239, MONDO:0014335, OMIM 615760.

Allele frequency attached by ClinVar (database versions not stated): ExAC 0.00001; gnomAD 0.00003; gnomAD exomes 0.00002 and 0.00001; TOPMed 0.00002.
gnomAD v4.1: 13 of 1,613,962 alleles (0.00081%); highest among the groups gnomAD compares: African/African-American, 0.011%; no homozygotes.

Submissions (2):

Ambry Genetics
Classification: Uncertain significance for Inborn genetic diseases. Last evaluated: 2025-10-21. Review status: criteria provided, single submitter. Criteria: Ambry Variant Classification Scheme 2023. Collection method: clinical testing. Allele origin: germline.

Labcorp Genetics (formerly Invitae), Labcorp
Classification: Uncertain significance for Diffuse cerebral and cerebellar atrophy - intractable seizures - progressive microcephaly syndrome. Last evaluated: 2022-08-31. Review status: criteria provided, single submitter. Criteria: Invitae Variant Classification Sherloc (09022015). Collection method: clinical testing. Allele origin: germline.
Comment: This sequence change replaces threonine, which is neutral and polar, with alanine, which is neutral and non-polar, at codon 580 of the QARS protein (p.Thr580Ala). This variant is present in population databases (rs750907390, gnomAD 0.01%). This variant has not been reported in the literature in individuals affected with QARS-related conditions. ClinVar contains an entry for this variant (Variation ID: 578717). Algorithms developed to predict the effect of missense changes on protein structure and function are either unavailable or do not agree on the potential impact of this missense change (SIFT: "Tolerated"; PolyPhen-2: "Possibly Damaging"; Align-GVGD: "Class C0"). In summary, the available evidence is currently insufficient to determine the role of this variant in disease. Therefore, it has been classified as a Variant of Uncertain Significance.

NM_005051.3(QARS1):c.1738A>G (p.Thr580Ala)

Gene: QARS1 (glutaminyl-tRNA synthetase 1; minus strand). Cytogenetic location: 3p21.31.
Variant type: single nucleotide variant.
Coding change: c.1738A>G on transcript NM_005051.3 (MANE Select); coding-DNA position 1738, A replaced by G.
Protein change: p.Thr580Ala; replaces threonine 580 with alanine.
Molecular consequence: missense variant. On other transcripts: non-coding transcript variant (1).
Genome position (GRCh38, 1-based): chr3:49,099,130, T>C on the plus strand (A>G on the coding strand, the complement: QARS1 is on the minus strand). VCF-style: chr3-49099130-T-C. GRCh37 (hg19) VCF-style: chr3-49136563-T-C.
Other names: c.1705A>G, p.Thr569Ala (NM_001272073.2); c.1738A>G (NM_005051.1); short protein forms T580A, T569A.
Identifiers: ClinVar variation 578717 (VCV000578717.6), dbSNP rs750907390, ClinGen allele CA2391666.
Genomic context (GRCh38, chr3:49,099,130, plus strand): 5'-TACACACACACATGTGACACACATGTTGAGGCAGGCCCACCTTGGCAGCAGGAAAGTTGG[T>C]GATGATGACCCGTAGTGACTCCAGCACAGCCATGGCTCGTGGGGCTGTGTCATTCAGCAC-3'
Protein context (NP_005042.1, residues 570-590): AVLESLRVII[Thr580Ala]NFPAAKSLDI